The following is an entry in ClinVar:

ClinVar aggregate classification (germline): Likely pathogenic (1 of 4 stars; one submission).

Conditions:
ENAM-related disorder. Also called: ENAM-related condition.

gnomAD v4.1: 1 of 1,613,284 alleles (0.000062%); highest among the groups gnomAD compares: Non-Finnish European, 0.000085%; no homozygotes.

Submission:

PreventionGenetics, part of Exact Sciences
Classification: Likely pathogenic for ENAM-related condition. Last evaluated: 2025-04-04. Review status: criteria provided, single submitter. Criteria: ACMG Guidelines, 2015. Collection method: clinical testing. Allele origin: germline.
Comment: The ENAM c.535-2A>G variant is predicted to disrupt the AG splice acceptor site and interfere with normal splicing. This variant has been reported in an individual with amelogenesis imperfecta (Chan et al. 2011. PubMed ID: 22243262; Simmer et al. 2013. PubMed ID: 22540999). This variant has not been reported in a large population database (gnomAD), indicating this variant is rare. Variants that disrupt the consensus splice acceptor site in ENAM are expected to be pathogenic. This variant is interpreted as likely pathogenic.

NM_031889.3(ENAM):c.535-2A>G

Gene: ENAM (enamelin; plus strand). Cytogenetic location: 4q13.3.
Variant type: single nucleotide variant.
Coding change: c.535-2A>G on transcript NM_031889.3 (MANE Select); the canonical splice acceptor site of the intron before coding-DNA position 535, A replaced by G.
Molecular consequence: splice acceptor variant. On other transcripts: 5 prime UTR variant (1).
Genome position (GRCh38, 1-based): chr4:70,637,788, A>G. VCF-style: chr4-70637788-A-G. GRCh37 (hg19) VCF-style: chr4-71503505-A-G.
Other names: c.-122A>G (NM_001368133.1).
Identifiers: ClinVar variation 4999009 (VCV004999009.1).